The following is an entry in ClinVar:

NM_001371904.1(APOA5):c.505G>T (p.Ala169Ser)

Gene: APOA5 (apolipoprotein A5; minus strand). Cytogenetic location: 11q23.3.
Variant type: single nucleotide variant.
Coding change: c.505G>T on transcript NM_001371904.1 (MANE Select); coding-DNA position 505, G replaced by T.
Protein change: p.Ala169Ser; replaces alanine 169 with serine.
Molecular consequence: missense variant.
Genome position (GRCh38, 1-based): chr11:116,790,724, C>A on the plus strand (G>T on the coding strand, the complement: APOA5 is on the minus strand). VCF-style: chr11-116790724-C-A. GRCh37 (hg19) VCF-style: chr11-116661440-C-A.
Other names: c.505G>T, p.Ala169Ser (NM_001166598.2, NM_052968.5); short protein forms A169S.
Identifiers: ClinVar variation 3414537 (VCV003414537.1).

ClinVar aggregate classification (germline): Uncertain significance (1 of 4 stars; one submission).

Conditions:
Cardiovascular phenotype. Identifiers: MedGen CN230736.

Submission:

Ambry Genetics
Classification: Uncertain significance for Cardiovascular phenotype. Last evaluated: 2024-11-10. Review status: criteria provided, single submitter. Criteria: Ambry Variant Classification Scheme 2023. Collection method: clinical testing. Allele origin: germline.
Comment: The p.A169S variant (also known as c.505G>T), located in coding exon 3 of the APOA5 gene, results from a G to T substitution at nucleotide position 505. The alanine at codon 169 is replaced by serine, an amino acid with similar properties. This amino acid position is conserved. In addition, this alteration is predicted to be tolerated by in silico analysis. Based on the available evidence, the clinical significance of this variant remains unclear.